The following is an entry in ClinVar:

ClinVar aggregate classification (germline): Conflicting classifications of pathogenicity. Review status: criteria provided, conflicting classifications (1 of 4 stars). 7 submissions from 7 submitters: Pathogenic (2); Uncertain significance (4); Likely benign (1). Last evaluated 2026-01-18.

Conditions:
Hereditary cancer-predisposing syndrome. Also called: Tumor predisposition; Hereditary neoplastic syndrome; Hereditary Cancer Syndrome; Neoplastic Syndromes, Hereditary. Identifiers: Orphanet 140162, MedGen C0027672, MeSH D009386, MONDO:0015356.
Cardiovascular phenotype. Identifiers: MedGen CN230736.
LZTR1-related schwannomatosis. Also called: Schwannomatosis-2, susceptibility to; Schwannomatosis 2. Identifiers: Orphanet 93921, MedGen C3810283, MONDO:0014299, OMIM 615670.

Allele frequency attached by ClinVar (database versions not stated): TOPMed 0.00003; gnomAD exomes 0.00004; ExAC 0.00006; gnomAD 0.00006; ESP Exome Variant Server 0.00008.
gnomAD v4.1: 80 of 1,614,044 alleles (0.005%); highest among the groups gnomAD compares: Middle Eastern, 0.016%; no homozygotes.

Submissions (7):

Labcorp Genetics (formerly Invitae), Labcorp
Classification: Uncertain significance. Last evaluated: 2026-01-18. Review status: criteria provided, single submitter. Criteria: Invitae Variant Classification Sherloc (09022015). Collection method: clinical testing. Allele origin: germline.
Comment: This sequence change affects codon 124 of the LZTR1 mRNA. It is a 'silent' change, meaning that it does not change the encoded amino acid sequence of the LZTR1 protein. This variant is present in population databases (rs371891909, gnomAD 0.01%). This variant has been observed in individual(s) with Noonan syndrome (PMID: 34184824). In at least one individual the data is consistent with being in trans (on the opposite chromosome) from a pathogenic variant. ClinVar contains an entry for this variant (Variation ID: 1158766). Studies have shown that this variant is associated with inconclusive levels of altered splicing (PMID: 34184824). In summary, the available evidence is currently insufficient to determine the role of this variant in disease. Therefore, it has been classified as a Variant of Uncertain Significance.

GeneDx
Classification: Pathogenic. Last evaluated: 2025-08-20. Review status: criteria provided, single submitter. Criteria: GeneDx Variant Classification Process June 2021. Collection method: clinical testing. Allele origin: germline. Affected: yes.
Comment: Patient RNA analysis demonstrates skipping of exon 4, resulting in a premature stop codon (PMID: 34184824); This variant is associated with the following publications: (PMID: 34184824)

Institute for Genomic Medicine (IGM) Clinical Laboratory, Nationwide Children's Hospital
Classification: Uncertain significance for LZTR1-related schwannomatosis. Last evaluated: 2025-07-24. Review status: criteria provided, single submitter. Criteria: ACMG Guidelines, 2015. Collection method: clinical testing. Allele origin: germline.
Comment: This variant is predicted to result in loss of function through nonsense-mediated decay of the encoded transcript or premature truncation of the encoded protein in a gene in which loss of function is a known mechanism of disease (ACMG/AMP: PVS1_Moderate; PMID:34184824). This variant has been observed in trans with a pathogenic variant (ACMG/AMP: PM3; PMID:34184824).

CeGaT Center for Human Genetics Tuebingen
Classification: Likely benign. Last evaluated: 2024-10-01. Review status: criteria provided, single submitter. Criteria: CeGaT Center For Human Genetics Tuebingen Variant Classification Criteria Version 2. Collection method: clinical testing. Allele origin: germline. Affected: yes. Observed: 1 variant allele.
Comment: LZTR1: BP4, BP7

Blueprint Genetics
Classification: Uncertain significance. Last evaluated: 2023-09-01. Review status: criteria provided, single submitter. Criteria: ACMG Guidelines, 2015. Collection method: clinical testing. Allele origin: germline.

Ambry Genetics
Classification: Pathogenic for Cardiovascular phenotype; Hereditary cancer-predisposing syndrome. Last evaluated: 2023-04-21. Review status: criteria provided, single submitter. Criteria: Ambry Variant Classification Scheme 2023. Collection method: clinical testing. Allele origin: germline.
Comment: The c.372C>T pathogenic mutation (also known as p.V124V), located in coding exon 4 of the LZTR1 gene, results from a C to T substitution at nucleotide position 372. This nucleotide substitution does not change the valine at codon 124. This variant has been detected with another LZTR1 pathogenic variant in three individuals who were diagnosed with autosomal recessive Noonan syndrome; two LZTR1 variants were confirmed to be in trans in two individuals (Uluda Alkaya D et al. Am J Med Genet A, 2021 Dec;185:3623-3633; personal communication). This nucleotide position is poorly conserved in available vertebrate species. In silico splice site analysis predicts that this alteration will not have any significant effect on splicing. However, RNA studies have demonstrated that this mutation results in a marked increase in skipping of exon 4, leading to an out-of-frame transcript (Uluda Alkaya D et al. Am J Med Genet A, 2021 Dec;185:3623-3633; Ambry internal data). Loss-of-function variants in LZTR1 are related to an increased risk for schwannomas and autosomal recessive Noonan syndrome; however, such associations with autosomal dominant Noonan syndrome have not been observed (Piotrowski A et al. Nat Genet. 2014 Feb;46:182-7; Yamamoto GL et al. J Med Genet. 2015 Jun;52:413-21; Johnston JJ et al. Genet Med. 2018 10;20:1175-1185). Based on the supporting evidence, this variant is pathogenic for an increased risk of LZTR1-related schwannomatosis (SWN) and would be expected to cause autosomal recessive Noonan syndrome when present along with a second pathogenic or likely pathogenic variant on the other allele; however, the association of this alteration with autosomal dominant Noonan syndrome is unlikely.

Women's Health and Genetics/Laboratory Corporation of America, LabCorp
Classification: Uncertain significance. Last evaluated: 2022-02-06. Review status: criteria provided, single submitter. Criteria: LabCorp Variant Classification Summary - May 2015. Collection method: clinical testing. Allele origin: germline.
Comment: Variant summary: LZTR1 c.372C>T alters a non-conserved nucleotide resulting in a synonymous change. 4/4 computational tools predict no significant impact on normal splicing. However, these predictions have yet to be confirmed by functional studies. The variant allele was found at a frequency of 4e-05 in 251242 control chromosomes. This frequency is not significantly higher than estimated for a pathogenic variant in LZTR1 causing Noonan Syndrome 2 (4e-05 vs 0.0032), allowing no conclusion about variant significance. c.372C>T has been reported in the literature as a compound heterozygous genotype with another missense variant (c.509G>A, p.Arg170Gln) in at-least one individual affected with autosomal recessive LZTR1-related Noonan Syndrome (example, Alkaya_2021). The authors reported biparental inheritance and a likely pathogenic classification for this variant (ACMG PS3 and PM2 engaged) based on a transcript lacking exon 4 resulting in a premature stop codon (p.Arg108Glyfs*11). However, primary data supporting this outcome was not reported. An incomplete splicing effect resulting from alteration of an exonic splice enhancer resulting in a hypomorphic loss of function allele was proposed based on a personal communication with one of the authors of this study. These report(s) do not provide unequivocal conclusions about association of the variant with Noonan Syndrome 2 ( autosomal recessive LZTR1-related Noonan Syndrome). To our knowledge, no direct experimental evidence demonstrating an impact on protein function has been reported. One clinical diagnostic laboratory has submitted clinical-significance assessments for this variant to ClinVar after 2014 without evidence for independent evaluation and classified the variant as likely benign. To our knowledge, the recent report utilized in the context of our evaluation was not considered. Based on the evidence outlined above, the variant was classified as uncertain significance.

Literature cited by the submitters: PubMed 34184824 (cited by 3 submitters).

NM_006767.4(LZTR1):c.372C>T (p.Val124=)

Gene: LZTR1 (leucine zipper like post translational regulator 1; plus strand). Cytogenetic location: 22q11.21.
Variant type: single nucleotide variant.
Coding change: c.372C>T on transcript NM_006767.4 (MANE Select); coding-DNA position 372, C replaced by T.
Protein change: p.Val124=; no amino-acid change (valine 124 retained).
Molecular consequence: synonymous variant.
Genome position (GRCh38, 1-based): chr22:20,987,555, C>T. VCF-style: chr22-20987555-C-T. GRCh37 (hg19) VCF-style: chr22-21341844-C-T.
Identifiers: ClinVar variation 1158766 (VCV001158766.31), dbSNP rs371891909, ClinGen allele CA10118394.